The following is an entry in ClinVar:

NM_000517.6(HBA2):c.179G>A (p.Gly60Asp)

Genes: HBA2 (hemoglobin subunit alpha 2; plus strand), LOC106804612 (hemoglobin subunit alpha 2 recombination region; plus strand). Cytogenetic location: 16p13.3.
Variant type: single nucleotide variant.
Coding change: c.179G>A on transcript NM_000517.6 (MANE Select); coding-DNA position 179, G replaced by A.
Protein change: p.Gly60Asp; replaces glycine 60 with aspartic acid.
Molecular consequence: missense variant.
Genome position (GRCh38, 1-based): chr16:173,208, G>A. VCF-style: chr16-173208-G-A. GRCh37 (hg19) VCF-style: chr16-223207-G-A.
Other names: G59D; NM_000517.6(HBA2):c.179G>A; c.179G>A (NM_000517.5); short protein forms G60D.
Identifiers: ClinVar variation 439112 (VCV000439112.28), dbSNP rs281864846, ClinGen allele CA276414731.

ClinVar aggregate classification (germline): Pathogenic. Review status: reviewed by expert panel (3 of 4 stars). 10 submissions from 10 submitters: Pathogenic (1). 9 of the submissions do not count toward it. Last evaluated 2026-04-08.

Conditions:
Non-immune hydrops fetalis (NIHF). Also called: Idiopathic hydrops fetalis; Familial non-immune hydrops fetalis; Fetal edema. Identifiers: Orphanet 363999, MedGen C0455988, MONDO:0009369, OMIM 236750, HP:0001790.
HEMOGLOBIN H HYDROPS FETALIS SYNDROME. Identifiers: MedGen C3278365.
HBA2-related disorders.
alpha Thalassemia. Also called: Alpha thalassemia spectrum. Identifiers: Orphanet 846, MedGen C0002312, MONDO:0011399, OMIM 604131.
HBA2-related alpha thalassemia spectrum. Identifiers: MedGen CN377749, MONDO:0100562.

Allele frequency attached by ClinVar (database versions not stated): gnomAD exomes below 0.00001.

Submissions (10):

ClinGen Hemoglobinopathy Variant Curation Expert Panel, ClinGen
Classification: Pathogenic for HBA2-related alpha thalassemia spectrum. Last evaluated: 2026-04-08. Review status: reviewed by expert panel. Criteria: ClinGen Hb Opathy ACMG Specifications HBA2 V1.0.0. Collection method: curation. Allele origin: germline. Inheritance: Autosomal recessive inheritance.
Comment: This is a missense variant in the HBA2 gene (NM_000517.6(HBA2):c.179G>A; p.Gly60Asp). The variant has been identified in 12 individuals with clinically significant α-thalassemia and in one individual with HbH disease. All affected individuals were compound heterozygotes for this variant and a known pathogenic variant (Hb Constant Spring; VCV000015624.66), with the two variants confirmed to be in trans through family studies and DNA analysis. Based on this evidence, a total of 13 PM3 points were assigned, meeting criteria for PM3_VS (PMID: 27271331; 24829075). Segregation analysis showed co-segregation of the variant with α-thalassemia associated with the -α3.7 deletion in two affected family members, and with HbH disease associated with the --SEA deletion in one affected family member. Three unaffected segregations were observed, yielding a LOD score of 2.18, supporting PP1_S (PMID: 24829075). The variant has also been reported in five unrelated individuals with low mean corpuscular volume (MCV) and low mean corpuscular hemoglobin (MCH), and in two unrelated individuals with low MCV, low MCH, and normal red blood cell counts. This enrichment corresponds to a total score of 1.15, supporting PS4_P (PMID: 20642338; 24351118; 24829075). The minor allele frequency in gnomAD v4.1 is 8.741e-7 (1/1143980), which is below the ClinGen Hemoglobinopathy VCEP threshold (<0.0001) for PM2_Supporting, meeting this criterion (PM2_P). In silico prediction using REVEL yields a score of 0.867, exceeding the established threshold of 0.8 and supporting a deleterious effect on HBA2 function (PP3). Notably, the same amino acid change (p.Gly60Asp) resulting from the identical nucleotide substitution (c.179G>A) is classified as pathogenic in HBA1 for α-thalassemia (ClinVar: VCV000015849, two-star review status), supporting PS1_M. In summary, this variant meets criteria for a pathogenic classification for HBA2-related alpha thalassemia spectrum (MONDO:0100562) with autosomal recessive inheritance, based on ACMG/AMP guidelines as specified by the ClinGen Hemoglobinopathy VCEP (specification version 1.0.0): PM3_VS, PP1_S, PS1_M, PS4_P, PP3, PM2_P

GeneDx
Classification: Pathogenic. Last evaluated: 2025-12-23. Review status: criteria provided, single submitter. Criteria: GeneDx Variant Classification Process June 2021. Collection method: clinical testing. Allele origin: germline. Not counted in ClinVar's aggregate classification.
Comment: Reported as a common pathogenic variant among individuals of Southeast Asian background (PMID: 36900038); In silico analysis supports that this missense variant has a deleterious effect on protein structure/function; Not observed at significant frequency in large population cohorts (gnomAD); Also known as p.(G59D) and Hb Adana; This variant is associated with the following publications: (PMID: 30025477, 29749692, 30205726, 8237999, 31286593, 26351923, 37236975, 9029003, 38112059, 27173219, 30663218, 11722414, 20642338, 24829075, 27271331, 30623696, 32860378, 33364739, 24351118, 36900038, 38694420)

3billion
Classification: Pathogenic for alpha Thalassemia. Last evaluated: 2025-12-11. Review status: criteria provided, single submitter. Criteria: ACMG Guidelines, 2015. Collection method: clinical testing. Allele origin: germline. Affected: yes. Not counted in ClinVar's aggregate classification.
Comment: The variant is observed at an extremely low frequency in the gnomAD v4.1.0 dataset (total allele frequency: <0.001%). Predicted Consequence/Location: Missense variant In silico tool predictions suggest damaging effect of the variant on gene or gene product [REVEL: 0.87 (>=0.6, sensitivity 0.68 and specificity 0.92); 3Cnet: 0.75 (> 0.75, sensitivity 0.96 and precision 0.92)]. The same nucleotide change resulting in the same amino acid change has been previously reported as pathogenic/likely pathogenic with strong evidence (ClinVar ID: VCV000439112 /PMID: 8237999). The variant has been reported to be in trans with a pathogenic variant as either compound heterozygous or homozygous in at least one similarly affected unrelated individual (PMID: https). A different missense change at the same codon (p.Gly60Arg) has been reported as pathogenic/likely pathogenic with strong evidence (ClinVar ID: VCV000015688 /PMID: 15658192). Therefore, this variant is classified as Pathogenic according to the recommendation of ACMG/AMP guideline.

Natera, Inc.
Classification: Pathogenic for Alpha thalassemia. Last evaluated: 2025-07-17. Review status: criteria provided, single submitter. Criteria: Natera Variant Classification Schema (03/2026). Collection method: clinical testing. Allele origin: germline. Not counted in ClinVar's aggregate classification.
Comment: The c.179G>A variant in HBA2 is a missense variant predicted to cause substitution of glycine to aspartic acid at amino acid 60. This variant is rare in the general population with a frequency below the threshold expected for the associated phenotype(s). This variant has been observed in one or more individuals affected with the associated recessive disease, as either homozygous or compound heterozygous with a second variant (PMID: 18615546, 29749692). Additionally, this variant has been observed to segregate in affected family members (PMID: 18615546, 29749692). Computational prediction algorithms indicate this variant is likely to affect gene or protein function. Given the available evidence, this variant is classified as Pathogenic.

ARUP Laboratories, Molecular Genetics and Genomics, ARUP Laboratories
Classification: Pathogenic. Last evaluated: 2025-03-25. Review status: criteria provided, single submitter. Criteria: ARUP Molecular Germline Variant Investigation Process 2024. Collection method: clinical testing. Allele origin: germline. Not counted in ClinVar's aggregate classification.
Comment: The Hb Adana variant (HBA2: c.179G>A; p.Gly60Asp, also known as Gly59Asp when numbered from the mature protein, rs281864846, HbVar ID: 87) is reported in the literature in multiple individuals with alpha-thalassemia, Hb H disease, and hydrops fetalis usually in combination with other pathogenic variants and is often associated with a severe course of disease (see HbVar and references therein, Alauddin 2014 and 2018, Megawati 2014, Nainggolan 2010, Singh 2018). This variant is reported as highly unstable (see HbVar). This variant is reported in ClinVar (Variation ID: 439112) and is absent from the Genome Aggregation Database, indicating it is not a common polymorphism. Computational analyses predict that this variant is deleterious (REVEL: 0.867). Based on available information, this variant is considered to be pathogenic. References: Link to HbVar database: Alauddin H et al. A case series of a-thalassemia intermedia due to compound heterozygosity for Hb Adana (HBA2: c179G>A (or HBA1); p.Gly60Asp) with other alpha-thalassemias in Malay families. Hemoglobin. 2014;38(4):277-81. PMID: 24829075. Alauddin H et al. A Unique Interaction of IVS-I-1 (G>A) (HBA2: c.95+1G>A) with Hb Adana (HBA2: c.179G>A) Presenting as Transfusion-Dependent alpha-Thalassemia. Hemoglobin. 2018 Jul;42(4):247-251. PMID: 30623696. Megawati D et al. Severe alpha-thalassemia intermedia due to a compound heterozygosity for the highly unstable Hb Adana (HBA2: c.179G>A) and a novel codon 24 (HBA2: c.75T>A) mutation. Hemoglobin. 2014;38(2):149-51. PMID: 24351118. Nainggolan IM et al. Hydrops fetalis associated with homozygosity for Hb Adana (alpha59(E8)Gly-->Asp (alpha2)). Hemoglobin. 2010;34(4):394-401. PMID: 20642338. Singh SA et al. Hb Adana (HBA2 or HBA1: c.179G > A) and alpha thalassemia: Genotype-phenotype correlation. Pediatr Blood Cancer. 2018 Sep;65(9):e27220. PMID: 29749692.

Blueprint Genetics
Classification: Pathogenic for HBA2-related disorders. Last evaluated: 2024-05-08. Review status: criteria provided, single submitter. Criteria: ACMG Guidelines, 2015. Collection method: clinical testing. Allele origin: germline. Affected: yes. Observed: 3 variant alleles. Not counted in ClinVar's aggregate classification.

Women's Health and Genetics/Laboratory Corporation of America, LabCorp
Classification: Pathogenic for alpha Thalassemia. Last evaluated: 2023-07-21. Review status: criteria provided, single submitter. Criteria: LabCorp Variant Classification Summary - May 2015. Collection method: clinical testing. Allele origin: germline. Not counted in ClinVar's aggregate classification.
Comment: Variant summary: HBA2 c.179G>A (p.Gly60Asp) (also known as Gly59Asp/ Hb Adana ) results in a non-conservative amino acid change in the encoded protein sequence. Five of five in-silico tools predict a damaging effect of the variant on protein function. The variant was absent in 131276 control chromosomes (gnomAD). c.179G>A has been reported in the literature in multiple individuals affected with alpha-thalassemia and hydrops fetalis (examples:Curuk_1993, Nainggolan_2010, Megawati_2014, and Alauddin_2014). These data indicate that the variant is very likely to be associated with disease. The following publications have been ascertained in the context of this evaluation (PMID: 8237999, 20642338, 24351118, 24829075). Three submitters have cited clinical-significance assessments for this variant to ClinVar after 2014 and classified the variant as pathogenic. Based on the evidence outlined above, the variant was classified as pathogenic.

Quest Diagnostics Nichols Institute San Juan Capistrano
Classification: Pathogenic. Last evaluated: 2023-05-03. Review status: criteria provided, single submitter. Criteria: Quest Diagnostics criteria. Collection method: clinical testing. Allele origin: unknown. Not counted in ClinVar's aggregate classification.
Comment: The variant has not been reported in large, multi-ethnic general populations. In the published literature, the variant protein is described as being unstable and as having a range of mild to severe presentations of alpha thalassemia in multiple individuals with different deletional and non-deletional pathogenic variants (PMIDs: 9029003 (1997), 20642338 (2010), 27271331 (2016), 29749692 (2018), 33364739 (2020)). Based on the available information, this variant is classified as pathogenic.

Genomic Medicine Lab, University of California San Francisco
Classification: Pathogenic for Non-immune hydrops fetalis. Last evaluated: 2020-12-10. Review status: criteria provided, single submitter. Criteria: ACMG Guidelines, 2015. Collection method: clinical testing. Allele origin: maternal. Inheritance: Autosomal recessive inheritance. Affected: yes. Study: CSER-P3EGS. Not counted in ClinVar's aggregate classification.

OMIM
Classification: other for HEMOGLOBIN H HYDROPS FETALIS SYNDROME. Last evaluated: 2022-09-12. Review status: no assertion criteria provided. Collection method: literature only. Allele origin: germline. Not counted in ClinVar's aggregate classification.

Literature cited by the submitters: PubMed 8237999 (cited by 3 submitters); PubMed 15658192 (cited by 3billion); PubMed 18615546 (cited by Natera, Inc.); PubMed 29749692 (cited by Natera, Inc. and Quest Diagnostics Nichols Institute San Juan Capistrano); PubMed 24829075 (cited by Women's Health and Genetics/Laboratory Corporation of America, LabCorp and Quest Diagnostics Nichols Institute San Juan Capistrano); PubMed 24351118 (cited by Women's Health and Genetics/Laboratory Corporation of America, LabCorp and Quest Diagnostics Nichols Institute San Juan Capistrano); PubMed 20642338 (cited by Women's Health and Genetics/Laboratory Corporation of America, LabCorp and Quest Diagnostics Nichols Institute San Juan Capistrano); PubMed 868864 (cited by Quest Diagnostics Nichols Institute San Juan Capistrano); PubMed 9029003 (cited by Quest Diagnostics Nichols Institute San Juan Capistrano and OMIM); PubMed 11722414 (cited by Quest Diagnostics Nichols Institute San Juan Capistrano and OMIM); PubMed 27271331 (cited by Quest Diagnostics Nichols Institute San Juan Capistrano); PubMed 27173219 (cited by Quest Diagnostics Nichols Institute San Juan Capistrano); PubMed 32860378 (cited by Quest Diagnostics Nichols Institute San Juan Capistrano); PubMed 36900038 (cited by Quest Diagnostics Nichols Institute San Juan Capistrano); PubMed 33364739 (cited by Quest Diagnostics Nichols Institute San Juan Capistrano).